The following is an entry in ClinVar:

ClinVar aggregate classification (germline): Uncertain significance. Review status: criteria provided, multiple submitters, no conflicts (2 of 4 stars). 2 submissions from 2 submitters: Uncertain significance (2). Last evaluated 2025-01-06.

Conditions:
Shprintzen-Goldberg syndrome (SGS). Also called: SHPRINTZEN-GOLDBERG CRANIOSYNOSTOSIS SYNDROME; CRANIOSYNOSTOSIS WITH ARACHNODACTYLY AND ABDOMINAL HERNIAS; Marfanoid disorder with craniosynostosis type 1; Marfanoid craniosynostosis syndrome; Shprintzen-Goldberg marfanoid syndrome. Identifiers: Orphanet 2462, MedGen C1321551, MONDO:0008426, OMIM 182212.
Familial thoracic aortic aneurysm and aortic dissection (TAAD). Also called: Thoracic aortic aneurysms and dissections. Identifiers: Orphanet 91387, MedGen C4707243, MONDO:0019625.

gnomAD v4.1: 1 of 1,551,708 alleles (0.000064%); no homozygotes.

Submissions (2):

Ambry Genetics
Classification: Uncertain significance for Familial thoracic aortic aneurysm and aortic dissection. Last evaluated: 2025-01-06. Review status: criteria provided, single submitter. Criteria: Ambry Variant Classification Scheme 2023. Collection method: clinical testing. Allele origin: germline.
Comment: The p.F492S variant (also known as c.1475T>C) is located in coding exon 5 of the SKI gene. The phenylalanine at codon 492 is replaced by serine, an amino acid with highly dissimilar properties. This change occurs in the first base pair of coding exon 5. This amino acid position is conserved. In addition, the in silico prediction for this alteration is inconclusive. Based on the available evidence, the clinical significance of this variant remains unclear.

Labcorp Genetics (formerly Invitae), Labcorp
Classification: Uncertain significance for Shprintzen-Goldberg syndrome. Last evaluated: 2023-10-22. Review status: criteria provided, single submitter. Criteria: Invitae Variant Classification Sherloc (09022015). Collection method: clinical testing. Allele origin: germline.
Comment: This sequence change replaces phenylalanine, which is neutral and non-polar, with serine, which is neutral and polar, at codon 492 of the SKI protein (p.Phe492Ser). This variant is present in population databases (no rsID available, gnomAD no frequency). This variant has not been reported in the literature in individuals affected with SKI-related conditions. An algorithm developed to predict the effect of missense changes on protein structure and function (PolyPhen-2) suggests that this variant is likely to be disruptive. In summary, the available evidence is currently insufficient to determine the role of this variant in disease. Therefore, it has been classified as a Variant of Uncertain Significance.

NM_003036.4(SKI):c.1475T>C (p.Phe492Ser)

Gene: SKI (SKI proto-oncogene; plus strand). Cytogenetic location: 1p36.32.
Variant type: single nucleotide variant.
Coding change: c.1475T>C on transcript NM_003036.4 (MANE Select); coding-DNA position 1475, T replaced by C.
Protein change: p.Phe492Ser; replaces phenylalanine 492 with serine.
Molecular consequence: missense variant.
Genome position (GRCh38, 1-based): chr1:2,304,293, T>C. VCF-style: chr1-2304293-T-C. GRCh37 (hg19) VCF-style: chr1-2235732-T-C.
Other names: c.1475T>C (NM_003036.3); short protein forms F492S.
Identifiers: ClinVar variation 3003430 (VCV003003430.4), dbSNP rs1206452604, ClinGen allele CA337956961.